The following is an entry in ClinVar:

NM_000784.4(CYP27A1):c.844+4A>G

Gene: CYP27A1 (cytochrome P450 family 27 subfamily A member 1; plus strand). Cytogenetic location: 2q35.
Variant type: single nucleotide variant.
Coding change: c.844+4A>G on transcript NM_000784.4 (MANE Select); 4 bases into the intron after coding-DNA position 844, A replaced by G.
Molecular consequence: intron variant.
Genome position (GRCh38, 1-based): chr2:218,812,753, A>G. VCF-style: chr2-218812753-A-G. GRCh37 (hg19) VCF-style: chr2-219677476-A-G.
Identifiers: ClinVar variation 1356362 (VCV001356362.3), dbSNP rs1016174396, ClinGen allele CA65833397.

ClinVar aggregate classification (germline): Uncertain significance (1 of 4 stars; one submission).

Conditions:
Cholestanol storage disease (CTX). Also called: CEREBRAL CHOLESTERINOSIS; CTX: Cerebrotendinous xanthomatosis; Cerebrotendinous Xanthomatosis. Identifiers: Orphanet 909, MedGen C0238052, MONDO:0008948, OMIM 213700.

Allele frequency attached by ClinVar (database versions not stated): gnomAD exomes below 0.00001.
gnomAD v4.1: 1 of 1,614,138 alleles (0.000062%); highest among the groups gnomAD compares: African/African-American, 0.0013%; no homozygotes.

Submission:

Labcorp Genetics (formerly Invitae), Labcorp
Classification: Uncertain significance for Cholestanol storage disease. Last evaluated: 2021-10-26. Review status: criteria provided, single submitter. Criteria: Invitae Variant Classification Sherloc (09022015). Collection method: clinical testing. Allele origin: germline.
Comment: This sequence change falls in intron 4 of the CYP27A1 gene. It does not directly change the encoded amino acid sequence of the CYP27A1 protein. It affects a nucleotide within the consensus splice site. This variant is present in population databases (no rsID available, gnomAD 0.007%). This variant has not been reported in the literature in individuals affected with CYP27A1-related conditions. Variants that disrupt the consensus splice site are a relatively common cause of aberrant splicing (PMID: 17576681, 9536098). Algorithms developed to predict the effect of sequence changes on RNA splicing suggest that this variant may disrupt the consensus splice site. In summary, the available evidence is currently insufficient to determine the role of this variant in disease. Therefore, it has been classified as a Variant of Uncertain Significance.

Literature cited by the submitters: PubMed 17576681; PubMed 9536098.